The following is an entry in ClinVar:

ClinVar aggregate classification (germline): Likely benign. Review status: criteria provided, multiple submitters, no conflicts (2 of 4 stars). 6 submissions from 6 submitters: Likely benign (6). Last evaluated 2025-11-21.

Conditions:
Cardiovascular phenotype. Identifiers: MedGen CN230736.
Cardiomyopathy (CMYO). Also called: Cardiomyopathies. Identifiers: Orphanet 167848, MedGen C0878544, MONDO:0004994, HP:0001638. Inheritance: Various modes of inheritance.
Arrhythmogenic right ventricular dysplasia 10. Also called: Arrhythmogenic right ventricular dysplasia/cardiomyopathy, type 10; Arrhythmogenic Right Ventricular Dysplasia/Cardiomyopathy10; ARRHYTHMOGENIC RIGHT VENTRICULAR DYSPLASIA, FAMILIAL, 10. Identifiers: MedGen C1857777, MONDO:0012434, OMIM 610193.

Allele frequency attached by ClinVar (database versions not stated): gnomAD exomes 0.00001; ESP Exome Variant Server 0.00008; TOPMed 0.00013.
gnomAD v4.1: 22 of 1,613,832 alleles (0.0014%); highest among the groups gnomAD compares: African/African-American, 0.027%; no homozygotes.

Submissions (6):

Labcorp Genetics (formerly Invitae), Labcorp
Classification: Likely benign for Arrhythmogenic right ventricular dysplasia 10. Last evaluated: 2025-11-21. Review status: criteria provided, single submitter. Criteria: Invitae Variant Classification Sherloc (09022015). Collection method: clinical testing. Allele origin: germline.

Women's Health and Genetics/Laboratory Corporation of America, LabCorp
Classification: Likely benign. Last evaluated: 2025-04-23. Review status: criteria provided, single submitter. Criteria: LabCorp Variant Classification Summary - May 2015. Collection method: clinical testing. Allele origin: germline.

Ambry Genetics
Classification: Likely benign for Cardiovascular phenotype. Last evaluated: 2024-12-02. Review status: criteria provided, single submitter. Criteria: Ambry Variant Classification Scheme 2023. Collection method: clinical testing. Allele origin: germline.

GeneDx
Classification: Likely benign. Last evaluated: 2020-10-05. Review status: criteria provided, single submitter. Criteria: GeneDx Variant Classification Process June 2021. Collection method: clinical testing. Allele origin: germline. Affected: yes.

Color Diagnostics, LLC DBA Color Health
Classification: Likely benign for Cardiomyopathy. Last evaluated: 2019-01-06. Review status: criteria provided, single submitter. Criteria: ACMG Guidelines, 2015. Collection method: clinical testing. Allele origin: germline.

Laboratory for Molecular Medicine, Mass General Brigham Personalized Medicine
Classification: Likely benign. Last evaluated: 2016-05-27. Review status: criteria provided, single submitter. Criteria: LMM Criteria. Collection method: clinical testing. Allele origin: germline. Observed: 1 variant allele.
Comment: c.829-4G>A in intron 7 of DSG2: This variant is not expected to have clinical si gnificance because it is not located within the splice consensus sequence. It ha s been identified in 1/3660 African American chromosomes by the NHLBI Exome Sequ encing Project (dbSNP rs376424003).

NM_001943.5(DSG2):c.829-4G>A

Gene: DSG2 (desmoglein 2; plus strand). Cytogenetic location: 18q12.1.
Variant type: single nucleotide variant.
Coding change: c.829-4G>A on transcript NM_001943.5 (MANE Select); 4 bases into the intron before coding-DNA position 829, G replaced by A.
Molecular consequence: intron variant.
Genome position (GRCh38, 1-based): chr18:31,524,699, G>A. VCF-style: chr18-31524699-G-A. GRCh37 (hg19) VCF-style: chr18-29104662-G-A.
Identifiers: ClinVar variation 379135 (VCV000379135.27), dbSNP rs376424003, ClinGen allele CA16608729.
Genomic context (GRCh38, chr18:31,524,699, plus strand): 5'-TTAAAAATATATCACTTATATTTGTATTTCATTGAAATAAAAATCATGTGTTCATGTTTT[G>A]CAGCTTGAAGGGATGGTTGAAGAAAATCAAGTCAACGTAGAAGTTACGCGCATAAAAGTG-3'